The following is an entry in ClinVar:

ClinVar aggregate classification (germline): Pathogenic (1 of 4 stars; one submission).

Conditions:
Spastic paraplegia. Identifiers: MedGen C0037772, HP:0001258.

Submission:

Labcorp Genetics (formerly Invitae), Labcorp
Classification: Pathogenic for Spastic paraplegia. Last evaluated: 2024-07-24. Review status: criteria provided, single submitter. Criteria: Invitae Variant Classification Sherloc (09022015). Collection method: clinical testing. Allele origin: germline.
Comment: This sequence change creates a premature translational stop signal (p.His710Ilefs*25) in the KIF5A gene. It is expected to result in an absent or disrupted protein product. Loss-of-function variants in KIF5A are known to be pathogenic (PMID: 26374131). This variant is not present in population databases (gnomAD no frequency). This variant has not been reported in the literature in individuals affected with KIF5A-related conditions. For these reasons, this variant has been classified as Pathogenic.

Literature cited by the submitters: PubMed 26374131.

NM_004984.4(KIF5A):c.2128del (p.His710fs)

Gene: KIF5A (kinesin family member 5A; plus strand). Cytogenetic location: 12q13.3.
Variant type: Deletion.
Coding change: c.2128del on transcript NM_004984.4 (MANE Select); coding-DNA position 2128, one base deleted (C; older notation c.2128delC).
Protein change: p.His710fs; shifts the reading frame from histidine 710.
Molecular consequence: frameshift variant.
Genome position (GRCh38, 1-based): chr12:57,576,308, C deleted; the last of 3 consecutive C bases (chr12:57,576,306-57,576,308); deleting any one gives the same sequence. VCF-style (leftmost placement, unchanged base first): chr12-57576305-GC-G. GRCh37 (hg19) VCF-style: chr12-57970088-GC-G.
Other names: c.1861del, p.His621fs (NM_001354705.2); short protein forms H710fs, H621fs.
Identifiers: ClinVar variation 3660460 (VCV003660460.2).